The following is an entry in ClinVar:

ClinVar aggregate classification (germline): Uncertain significance (1 of 4 stars; one submission).

Conditions:
Familial thoracic aortic aneurysm and aortic dissection (TAAD). Also called: Thoracic aortic aneurysms and dissections. Identifiers: Orphanet 91387, MedGen C4707243, MONDO:0019625.

Submission:

Ambry Genetics
Classification: Uncertain significance for Familial thoracic aortic aneurysm and aortic dissection. Last evaluated: 2026-03-06. Review status: criteria provided, single submitter. Criteria: Ambry Variant Classification Scheme 2023. Collection method: clinical testing. Allele origin: germline.
Comment: The p.E340* variant (also known as c.1018G>T), located in coding exon 8 of the MYH11 gene, results from a G to T substitution at nucleotide position 1018. This changes the amino acid from a glutamic acid to a stop codon within coding exon 8. This alteration is expected to result in loss of function by premature protein truncation or nonsense-mediated mRNA decay. Although biallelic loss of function of MYH11 has been associated with MYH11-related megacystis-microcolon-intestinal hypoperistalsis syndrome, haploinsufficiency of MYH11 has not been established as a mechanism of disease for MYH11-related thoracic aortic aneurysm and dissection. Based on the supporting evidence, this variant is expected to be causative of MYH11-related megacystis-microcolon-intestinal hypoperistalsis syndrome when present along with a second pathogenic variant on the other allele; however, its clinical significance for MYH11-related thoracic aortic aneurysm and dissection is unclear.

NM_002474.3(MYH11):c.1018G>T (p.Glu340Ter)

Gene: MYH11 (myosin heavy chain 11; minus strand). Cytogenetic location: 16p13.11.
Variant type: single nucleotide variant.
Coding change: c.1018G>T on transcript NM_002474.3 (MANE Select); coding-DNA position 1018, G replaced by T.
Protein change: p.Glu340Ter; replaces glutamic acid 340 with a stop codon.
Molecular consequence: nonsense.
Genome position (GRCh38, 1-based): chr16:15,771,584, C>A on the plus strand (G>T on the coding strand, the complement: MYH11 is on the minus strand). VCF-style: chr16-15771584-C-A. GRCh37 (hg19) VCF-style: chr16-15865441-C-A.
Other names: c.1039G>T, p.Glu347Ter (NM_001040113.2, NM_001040114.2); c.1018G>T, p.Glu340Ter (NM_022844.3); short protein forms E340*, E347*.
Identifiers: ClinVar variation 4825855 (VCV004825855.1).